The following is an entry in ClinVar:

NM_000489.6(ATRX):c.1495A>G (p.Lys499Glu)

Gene: ATRX (ATRX chromatin remodeler; minus strand). Cytogenetic location: Xq21.1.
Variant type: single nucleotide variant.
Coding change: c.1495A>G on transcript NM_000489.6 (MANE Select); coding-DNA position 1495, A replaced by G.
Protein change: p.Lys499Glu; replaces lysine 499 with glutamic acid.
Molecular consequence: missense variant.
Genome position (GRCh38, 1-based): chrX:77,683,761, T>C on the plus strand (A>G on the coding strand, the complement: ATRX is on the minus strand). VCF-style: chrX-77683761-T-C. GRCh37 (hg19) VCF-style: chrX-76939253-T-C.
Other names: c.1381A>G, p.Lys461Glu (NM_138270.5); short protein forms K461E, K499E.
Identifiers: ClinVar variation 2865525 (VCV002865525.3), dbSNP rs2148621234, ClinGen allele CA413717801.
Genomic context (GRCh38, chrX:77,683,761, plus strand): 5'-ACACAATATCCATGTCTAAATCTTCAGAAGTGTTGGCAGGTTCATATTGAGGTTCTTCTT[T>C]TCTATCAGATTTCTTATGTTCACCACCGGTACTTTTATTTGTTCTTTGTTCCTCTGTTGG-3'
Protein context (NP_000480.3, residues 489-509): TGGEHKKSDR[Lys499Glu]EEPQYEPANT

ClinVar aggregate classification (germline): Uncertain significance (1 of 4 stars; one submission).

Conditions:
Alpha thalassemia-X-linked intellectual disability syndrome (ATRX). Also called: ALPHA-THALASSEMIA/MENTAL RETARDATION SYNDROME, X-LINKED; ATR, NONDELETION TYPE; ATR-X syndrome; Alpha thalassemia mental retardation syndrome, nondeletion type, X-linked; XLMR hypotonic face syndrome; X-linked alpha-thalassemia-mental retardation syndrome. Identifiers: Orphanet 847, MedGen C1845055, MONDO:0010519, OMIM 301040.

Submission:

Labcorp Genetics (formerly Invitae), Labcorp
Classification: Uncertain significance for Alpha thalassemia-X-linked intellectual disability syndrome. Last evaluated: 2023-10-16. Review status: criteria provided, single submitter. Criteria: Invitae Variant Classification Sherloc (09022015). Collection method: clinical testing. Allele origin: germline.
Comment: This sequence change replaces lysine, which is basic and polar, with glutamic acid, which is acidic and polar, at codon 499 of the ATRX protein (p.Lys499Glu). This variant is not present in population databases (gnomAD no frequency). This variant has not been reported in the literature in individuals affected with ATRX-related conditions. Advanced modeling of protein sequence and biophysical properties (such as structural, functional, and spatial information, amino acid conservation, physicochemical variation, residue mobility, and thermodynamic stability) performed at Invitae indicates that this missense variant is not expected to disrupt ATRX protein function. In summary, the available evidence is currently insufficient to determine the role of this variant in disease. Therefore, it has been classified as a Variant of Uncertain Significance.